The following is an entry in ClinVar:

NM_006231.4(POLE):c.5553-1G>A

Gene: POLE (DNA polymerase epsilon, catalytic subunit; minus strand). Cytogenetic location: 12q24.33.
Variant type: single nucleotide variant.
Coding change: c.5553-1G>A on transcript NM_006231.4 (MANE Select); the canonical splice acceptor site of the intron before coding-DNA position 5553, G replaced by A.
Molecular consequence: splice acceptor variant.
Genome position (GRCh38, 1-based): chr12:132,638,140, C>T on the plus strand (G>A on the coding strand, the complement: POLE is on the minus strand). VCF-style: chr12-132638140-C-T. GRCh37 (hg19) VCF-style: chr12-133214726-C-T.
Identifiers: ClinVar variation 422998 (VCV000422998.10), dbSNP rs1064796152, ClinGen allele CA16619457.

ClinVar aggregate classification (germline): Conflicting classifications of pathogenicity. Review status: criteria provided, conflicting classifications (1 of 4 stars). 2 submissions from 2 submitters: Likely pathogenic (1); Uncertain significance (1). Last evaluated 2023-08-08.

Submissions (2):

Labcorp Genetics (formerly Invitae), Labcorp
Classification: Likely pathogenic. Last evaluated: 2023-08-08. Review status: criteria provided, single submitter. Criteria: Invitae Variant Classification Sherloc (09022015). Collection method: clinical testing. Allele origin: germline.
Comment: This sequence change affects an acceptor splice site in intron 40 of the POLE gene. It is expected to disrupt RNA splicing. Variants that disrupt the donor or acceptor splice site typically lead to a loss of protein function (PMID: 16199547), and loss-of-function variants in POLE are known to be pathogenic (PMID: 23230001, 25948378, 30503519). In summary, the currently available evidence indicates that the variant is pathogenic, but additional data are needed to prove that conclusively. Therefore, this variant has been classified as Likely Pathogenic. Algorithms developed to predict the effect of sequence changes on RNA splicing suggest that this variant may disrupt the consensus splice site. ClinVar contains an entry for this variant (Variation ID: 422998). This variant has not been reported in the literature in individuals affected with POLE-related conditions. This variant is not present in population databases (gnomAD no frequency).

GeneDx
Classification: Uncertain significance. Last evaluated: 2017-01-04. Review status: criteria provided, single submitter. Criteria: GeneDx Variant Classification (06012015). Collection method: clinical testing. Allele origin: germline. Affected: yes.
Comment: This variant is denoted POLE c.5553-1G>A or IVS40-1G>A and consists of a G>A nucleotide substitution at the -1 position of intron 40 of the POLE gene. This variant destroys a canonical splice acceptor site and is predicted to cause abnormal gene splicing, leading to either an abnormal message that is subject to nonsense-mediated mRNA decay or to an abnormal protein product. This variant has not, to our knowledge, been published in the literature. Although missense variants located within the exonuclease domain of the POLE gene have been recognized as an underlying cause of Polymerase Proofreading-Associated Polyposis (PPAP), an autosomal dominant condition associated with polyposis and an increased risk for colon cancer (Palles 2013, Spier 2014), there are no data to support that loss-of-function variants, such as this one, confer the same cancer risks. Therefore, based on current evidence, we consider POLE c.5553-1G>A to be a variant of uncertain significance with respect to cancer.A recessive disease associated with one POLE variant has been reported in the literature. In one large consanguineous family, 11 affected relatives with a syndrome called FILS (facial dysmorphism, immunodeficiency, livedo, and short stature) were all found to be homozygous for a POLE c.4444+3A>G, a splice variant which results in a small proportion (~10%) of normal POLE transcript (Pachlopnik Schmid 2012). In addition, an unrelated individual with a suspected chromosome instability syndrome was also found to be homozygous for POLE c.4444+3A>G (Thiffault 2015). We cannot assess whether the variant identified in the current patient would cause the same recessive disease. Individuals and family members of reproductive age may choose to consider assessment of potential reproductive risks.

Literature cited by the submitters: PubMed 16199547 (cited by Labcorp Genetics (formerly Invitae), Labcorp); PubMed 23230001 (cited by Labcorp Genetics (formerly Invitae), Labcorp); PubMed 25948378 (cited by Labcorp Genetics (formerly Invitae), Labcorp); PubMed 30503519 (cited by Labcorp Genetics (formerly Invitae), Labcorp).